The following is an entry in ClinVar:

ClinVar aggregate classification (germline): Pathogenic. Review status: criteria provided, single submitter (1 of 4 stars). 2 submissions from 2 submitters: Pathogenic (1). 1 of the submissions does not count toward it. Last evaluated 2016-06-17.

Conditions:
Tuberous sclerosis syndrome (TSC). Also called: Tuberous Sclerosis Complex; Tuberous sclerosis. Identifiers: Orphanet 805, MedGen C0041341, MONDO:0001734.

Submissions (2):

GeneDx
Classification: Pathogenic. Last evaluated: 2016-06-17. Review status: criteria provided, single submitter. Criteria: GeneDx Variant Classification (06012015). Collection method: clinical testing. Allele origin: germline. Affected: yes.
Comment: The R897S variant has been reported previously as a de novo variant in a patient with tuberous sclerosis complex (Rendtorff et al., 2005). Functional studies suggest that F897S impairs TSC2 protein function (Rendtorff et al., 2005; Hoogeveen-Westerveld et al., 2011). It was not observed in approximately 6,500 individuals of European and African American ancestry in the NHLBI Exome Sequencing Project, indicating it is not a common benign variant in these populations. The R897S variant is a non-conservative amino acid substitution, which is likely to impact secondary protein structure as these residues differ in polarity, charge, size and/or other properties. This substitution occurs at a position that is conserved across species, and in silico analysis predicts this variant is probably damaging to the protein structure/function. Therefore, F897S is interpreted to be a pathogenic variant.

Tuberous sclerosis database (TSC2)
No classification provided. Condition: TSC. Review status: no classification provided. Criteria: Tuberous Sclerosis Database Assertion Criteria 2015. Collection method: curation. Allele origin: germline. Affected: yes. Not counted in ClinVar's aggregate classification.

NM_000548.5(TSC2):c.2690T>C (p.Phe897Ser)

Gene: TSC2 (TSC complex subunit 2; plus strand). Cytogenetic location: 16p13.3.
Variant type: single nucleotide variant.
Coding change: c.2690T>C on transcript NM_000548.5 (MANE Select); coding-DNA position 2690, T replaced by C.
Protein change: p.Phe897Ser; replaces phenylalanine 897 with serine.
Molecular consequence: missense variant.
Genome position (GRCh38, 1-based): chr16:2,076,118, T>C. VCF-style: chr16-2076118-T-C. GRCh37 (hg19) VCF-style: chr16-2126119-T-C.
Other names: c.2690T>C, p.Phe897Ser (NM_001077183.3, NM_001114382.3, NM_001363528.2 and 3 more transcripts); c.2579T>C, p.Phe860Ser (NM_001318827.2); c.2543T>C, p.Phe848Ser (NM_001318829.2); c.2090T>C, p.Phe697Ser (NM_001318831.2); c.2723T>C, p.Phe908Ser (NM_001318832.2); short protein forms F897S, F697S, F848S, F860S, F908S.
Identifiers: ClinVar variation 49595 (VCV000049595.3), dbSNP rs45517255, ClinGen allele CA017895.